The following is an entry in ClinVar:

ClinVar aggregate classification (germline): Conflicting classifications of pathogenicity. Review status: criteria provided, conflicting classifications (1 of 4 stars). 4 submissions from 4 submitters: Likely pathogenic (3); Uncertain significance (1). Last evaluated 2025-06-24.

Conditions:
Lamellar ichthyosis. Identifiers: Orphanet 313, MedGen C5848247, MONDO:0017778.
Autosomal recessive congenital ichthyosis 2 (ARCI2). Identifiers: Orphanet 281122, Orphanet 79394, MedGen C3888093, MONDO:0009439, OMIM 242100.

Allele frequency attached by ClinVar (database versions not stated): gnomAD 0.00001; gnomAD exomes 0.00001; ExAC 0.00002; TOPMed 0.00002.
gnomAD v4.1: 16 of 1,614,002 alleles (0.00099%); highest among the groups gnomAD compares: African/African-American, 0.0013%; no homozygotes.

Submissions (4):

Women's Health and Genetics/Laboratory Corporation of America, LabCorp
Classification: Likely pathogenic for Lamellar ichthyosis. Last evaluated: 2025-06-24. Review status: criteria provided, single submitter. Criteria: LabCorp Variant Classification Summary - May 2015. Collection method: clinical testing. Allele origin: germline.
Comment: Variant summary: ALOX12B c.1496G>A (p.Arg499His) results in a non-conservative amino acid change in the encoded protein sequence. Algorithms developed to predict the effect of missense changes on protein structure and function all suggest that this variant is likely to be disruptive. The variant allele was found at a frequency of 8e-06 in 251374 control chromosomes. c.1496G>A has been observed in individual(s) affected with Lamellar Ichthyosis Lamellar Ichthyosis (Buckova_2016, LCG internal data). These data indicate that the variant may be associated with disease. A different variant affecting the same codon has been classified as likely pathogenic/pathogenic by our lab (c.1495C>T, p.Arg499Cys), supporting the critical relevance of codon 499 to ALOX12B protein function. To our knowledge, no experimental evidence demonstrating an impact on protein function has been reported. The following publication have been ascertained in the context of this evaluation (PMID: 25998749). ClinVar contains an entry for this variant (Variation ID: 1029147). Based on the evidence outlined above, the variant was classified as likely pathogenic.

CeGaT Center for Human Genetics Tuebingen
Classification: Likely pathogenic. Last evaluated: 2024-08-01. Review status: criteria provided, single submitter. Criteria: CeGaT Center For Human Genetics Tuebingen Variant Classification Criteria Version 2. Collection method: clinical testing. Allele origin: germline. Affected: yes. Observed: 3 variant alleles.
Comment: ALOX12B: PM2, PM3, PM5, PP4

Labcorp Genetics (formerly Invitae), Labcorp
Classification: Likely pathogenic. Last evaluated: 2021-12-03. Review status: criteria provided, single submitter. Criteria: Invitae Variant Classification Sherloc (09022015). Collection method: clinical testing. Allele origin: germline.
Comment: This sequence change replaces arginine, which is basic and polar, with histidine, which is basic and polar, at codon 499 of the ALOX12B protein (p.Arg499His). This variant is present in population databases (rs768784091, gnomAD 0.002%). This missense change has been observed in individuals with clinical features of congenital ichthyosis (PMID: 25998749; Invitae). ClinVar contains an entry for this variant (Variation ID: 1029147). Advanced modeling of protein sequence and biophysical properties (such as structural, functional, and spatial information, amino acid conservation, physicochemical variation, residue mobility, and thermodynamic stability) performed at Invitae indicates that this missense variant is expected to disrupt ALOX12B protein function. In summary, the currently available evidence indicates that the variant is pathogenic, but additional data are needed to prove that conclusively. Therefore, this variant has been classified as Likely Pathogenic.

Baylor Genetics
Classification: Uncertain significance for Autosomal recessive congenital ichthyosis 2. Last evaluated: 2020-08-27. Review status: criteria provided, single submitter. Criteria: ACMG Guidelines, 2015. Collection method: clinical testing. Allele origin: unknown. Affected: yes.
Comment: This variant was determined to be of uncertain significance according to ACMG Guidelines, 2015 [PMID:25741868].

Literature cited by the submitters: PubMed 25998749 (cited by Women's Health and Genetics/Laboratory Corporation of America, LabCorp and Labcorp Genetics (formerly Invitae), Labcorp).

NM_001139.3(ALOX12B):c.1496G>A (p.Arg499His)

Gene: ALOX12B (arachidonate 12-lipoxygenase, 12R type; minus strand). Cytogenetic location: 17p13.1.
Variant type: single nucleotide variant.
Coding change: c.1496G>A on transcript NM_001139.3 (MANE Select); coding-DNA position 1496, G replaced by A.
Protein change: p.Arg499His; replaces arginine 499 with histidine.
Molecular consequence: missense variant.
Genome position (GRCh38, 1-based): chr17:8,076,211, C>T on the plus strand (G>A on the coding strand, the complement: ALOX12B is on the minus strand). VCF-style: chr17-8076211-C-T. GRCh37 (hg19) VCF-style: chr17-7979529-C-T.
Other names: short protein forms R499H.
Identifiers: ClinVar variation 1029147 (VCV001029147.27), dbSNP rs768784091, ClinGen allele CA8367290.